The following is an entry in ClinVar:

ClinVar aggregate classification (germline): Conflicting classifications of pathogenicity. Review status: criteria provided, conflicting classifications (1 of 4 stars). 3 submissions from 3 submitters: Uncertain significance (1); Benign (1). 1 of the submissions does not count toward it. Last evaluated 2025-11-12.

Conditions:
FUS-related disorder. Also called: FUS-related condition.
Tremor, hereditary essential, 4 (ETM4). Identifiers: MedGen C3539195, MONDO:0013888, OMIM 614782.
Amyotrophic lateral sclerosis type 6. Also called: FUS-Related Amyotrophic Laterial Sclerosis; Amyotrophic lateral sclerosis 6, with or without frontotemporal dementia; AMYOTROPHIC LATERAL SCLEROSIS 6 WITHOUT FRONTOTEMPORAL DEMENTIA. Identifiers: Orphanet 275872, Orphanet 803, MedGen C2931786, MONDO:0011951, OMIM 608030.
Inborn genetic diseases. Identifiers: MedGen C0950123, MeSH D030342.

Submissions (3):

Labcorp Genetics (formerly Invitae), Labcorp
Classification: Uncertain significance for Tremor, hereditary essential, 4; Amyotrophic lateral sclerosis type 6. Last evaluated: 2025-11-12. Review status: criteria provided, single submitter. Criteria: Invitae Variant Classification Sherloc (09022015). Collection method: clinical testing. Allele origin: germline.
Comment: This variant, c.681_686dup, results in the insertion of 2 amino acid(s) of the FUS protein (p.Gly230_Gly231dup), but otherwise preserves the integrity of the reading frame. This variant is present in population databases (rs372671599, gnomAD 0.02%). This variant has not been reported in the literature in individuals affected with FUS-related conditions. Experimental studies and prediction algorithms are not available or were not evaluated, and the functional significance of this variant is currently unknown. In summary, the available evidence is currently insufficient to determine the role of this variant in disease. Therefore, it has been classified as a Variant of Uncertain Significance.

Ambry Genetics
Classification: Benign for Inborn genetic diseases. Last evaluated: 2021-02-08. Review status: criteria provided, single submitter. Criteria: Ambry Variant Classification Scheme 2023. Collection method: clinical testing. Allele origin: germline.

PreventionGenetics, part of Exact Sciences
Classification: Likely benign for FUS-related condition. Last evaluated: 2024-03-27. Review status: no assertion criteria provided. Collection method: clinical testing. Allele origin: germline. Not counted in ClinVar's aggregate classification.
Comment: This variant is classified as likely benign based on ACMG/AMP sequence variant interpretation guidelines (Richards et al. 2015 PMID: 25741868, with internal and published modifications).

NM_004960.4(FUS):c.669CGG[8] (p.Gly230_Gly231dup)

Gene: FUS (FUS RNA binding protein; plus strand). Cytogenetic location: 16p11.2.
Variant type: Microsatellite.
Coding change: c.669CGG[8] on transcript NM_004960.4 (MANE Select); eight copies in a row of the 3-base unit CGG starting at c.669; the reference has six copies in a row; two copies, 6 bases duplicated.
Protein change: p.Gly230_Gly231dup.
Molecular consequence: inframe insertion. On other transcripts: non-coding transcript variant (1).
Genome position (GRCh38, 1-based): chr16:31,185,096-31,185,101, CGGCGG duplicated; duplicating any 6 consecutive bases within chr16:31,185,082-31,185,101 gives the same sequence; the position shown is the placement nearest the transcript's 3' end. VCF-style (leftmost placement, unchanged base first): chr16-31185081-T-TGGCGGC. GRCh37 (hg19) VCF-style: chr16-31196402-T-TGGCGGC.
Other names: c.681_686dup6 (NM_004960.3); c.666CGG[8], p.Gly229_Gly230dup (NM_001170634.1); c.657CGG[8], p.Gly226_Gly227dup (NM_001170937.1); c.681_686dupCGGCGG (NM_004960.3).
Identifiers: ClinVar variation 649131 (VCV000649131.12), dbSNP rs72550890, ClinGen allele CA8023741.